The following is an entry in ClinVar:

NC_000023.10:g.(?_99551255)_(99905882_?)del

Genes: PCDH19 (protocadherin 19; minus strand), SRPX2 (sushi repeat containing protein X-linked 2; plus strand), TNMD (tenomodulin; plus strand), TSPAN6 (tetraspanin 6; minus strand). Cytogenetic location: Xq22.1.
Variant type: Deletion.
Identifiers: ClinVar variation 832571 (VCV000832571.1).

ClinVar aggregate classification (germline): Pathogenic (1 of 4 stars; one submission).

Conditions:
Developmental and epileptic encephalopathy, 9 (DEE9). Also called: EPILEPSY, FEMALE-RESTRICTED, WITH MENTAL RETARDATION; Early infantile epileptic encephalopathy 9; PCDH19-Related X-Linked Female-Limited Epilepsy with Mental Retardation; JUBERG-HELLMAN SYNDROME. Identifiers: Orphanet 101039, Orphanet 2076, MedGen C1848137, MONDO:0010246, OMIM 300088. Disease mechanism: loss of function.

Submission:

Labcorp Genetics (formerly Invitae), Labcorp
Classification: Pathogenic for Early infantile epileptic encephalopathy 9. Last evaluated: 2019-10-14. Review status: criteria provided, single submitter. Criteria: Invitae Variant Classification Sherloc (09022015). Collection method: clinical testing. Allele origin: germline.
Comment: A gross deletion of the genomic region encompassing the full coding sequence of the PCDH19 gene has been identified. The boundaries of this event are unknown as the deletion extends beyond the assayed region for this gene and therefore may encompass additional genes. Whole gene deletions of PCDH19 have been observed in individuals affected with epileptic encephalopathy (PMID: 27179713, 29377098, 23712037) and have been observed to be de novo in several of these individuals (PMID: 29377098, 23712037). Loss-of-function variants in PCDH19 are known to be pathogenic (PMID: 21053371). For these reasons, this variant has been classified as Pathogenic.

Literature cited by the submitters: PubMed 29377098; PubMed 27179713; PubMed 23712037.